The following is an entry in ClinVar:

NM_024996.7(GFM1):c.841-168_844delinsCTTTCTTCTT

Gene: GFM1 (G elongation factor mitochondrial 1; plus strand). Cytogenetic location: 3q25.32.
Variant type: Indel.
Coding change: c.841-168_844delinsCTTTCTTCTT on transcript NM_024996.7 (MANE Select); 168 bases into the intron before coding-DNA position 841 through coding-DNA position 844, the reference bases replaced by CTTTCTTCTT.
Molecular consequence: splice acceptor variant.
Genome position (GRCh38, 1-based): chr3:158,653,142-158,653,313, 172 bases replaced. GRCh37 (hg19): chr3:158,370,931-158,371,102.
Other names: c.898-168_901delinsCTTTCTTCTT (NM_001308164.2, NM_001374355.1); c.616-168_619delinsCTTTCTTCTT (NM_001374357.1); c.724-168_727delinsCTTTCTTCTT (NM_001374356.1); c.274-168_277delinsCTTTCTTCTT (NM_001374359.1, NM_001374360.1); c.157-168_160delinsCTTTCTTCTT (NM_001374361.1); c.382-168_385delinsCTTTCTTCTT (NM_001374358.1); c.841-168_844delinsCTTTCTTCTT (NM_001308166.2).
Identifiers: ClinVar variation 2704338 (VCV002704338.3), dbSNP rs2473965026, ClinGen allele CA2697556932.

ClinVar aggregate classification (germline): Likely pathogenic (1 of 4 stars; one submission).

Submission:

Labcorp Genetics (formerly Invitae), Labcorp
Classification: Likely pathogenic. Last evaluated: 2023-12-19. Review status: criteria provided, single submitter. Criteria: Invitae Variant Classification Sherloc (09022015). Collection method: clinical testing. Allele origin: germline.
Comment: This variant results in the deletion of part of exon 7 (c.841-168_844delinsCTTTCTTCTT) of the GFM1 gene. It is expected to disrupt RNA splicing. Variants that disrupt the donor or acceptor splice site typically lead to a loss of protein function (PMID: 16199547), and loss-of-function variants in GFM1 are known to be pathogenic (PMID: 16632485, 17160893). This variant is not present in population databases (gnomAD no frequency). This variant has not been reported in the literature in individuals affected with GFM1-related conditions. In summary, the currently available evidence indicates that the variant is pathogenic, but additional data are needed to prove that conclusively. Therefore, this variant has been classified as Likely Pathogenic.

Literature cited by the submitters: PubMed 16199547; PubMed 16632485; PubMed 17160893.